The following is an entry in ClinVar:

ClinVar aggregate classification (germline): Likely benign. Review status: criteria provided, multiple submitters, no conflicts (2 of 4 stars). 2 submissions from 2 submitters: Likely benign (2). Last evaluated 2025-10-20.

Conditions:
Mowat-Wilson syndrome (MOWS). Also called: Classic Mowat-Wilson Syndrome. Identifiers: Orphanet 2152, MedGen C1856113, MONDO:0009341, OMIM 235730.

Allele frequency attached by ClinVar (database versions not stated): gnomAD exomes below 0.00001; gnomAD 0.00002; TOPMed 0.00002.
gnomAD v4.1: 8 of 1,611,350 alleles (0.0005%); highest among the groups gnomAD compares: African/African-American, 0.008%; no homozygotes.

Submissions (2):

Labcorp Genetics (formerly Invitae), Labcorp
Classification: Likely benign for Mowat-Wilson syndrome. Last evaluated: 2025-10-20. Review status: criteria provided, single submitter. Criteria: Invitae Variant Classification Sherloc (09022015). Collection method: clinical testing. Allele origin: germline.

GeneDx
Classification: Likely benign. Last evaluated: 2017-07-06. Review status: criteria provided, single submitter. Criteria: GeneDx Variant Classification (06012015). Collection method: clinical testing. Allele origin: germline. Affected: yes.
Comment: This variant is considered likely benign or benign based on one or more of the following criteria: it is a conservative change, it occurs at a poorly conserved position in the protein, it is predicted to be benign by multiple in silico algorithms, and/or has population frequency not consistent with disease.

NM_014795.4(ZEB2):c.74-15G>T

Gene: ZEB2 (zinc finger E-box binding homeobox 2; minus strand). Cytogenetic location: 2q22.3.
Variant type: single nucleotide variant.
Coding change: c.74-15G>T on transcript NM_014795.4 (MANE Select); 15 bases into the intron before coding-DNA position 74, G replaced by T.
Molecular consequence: intron variant.
Genome position (GRCh38, 1-based): chr2:144,430,041, C>A on the plus strand (G>T on the coding strand, the complement: ZEB2 is on the minus strand). VCF-style: chr2-144430041-C-A. GRCh37 (hg19) VCF-style: chr2-145187608-C-A.
Other names: c.74-15G>T (NM_001171653.2).
Identifiers: ClinVar variation 516923 (VCV000516923.5), dbSNP rs908922006, ClinGen allele CA57581976.